The following is an entry in ClinVar:

NM_001378418.1(TCF20):c.809C>G (p.Ser270Cys)

Gene: TCF20 (transcription factor 20; minus strand). Cytogenetic location: 22q13.2.
Variant type: single nucleotide variant.
Coding change: c.809C>G on transcript NM_001378418.1 (MANE Select); coding-DNA position 809, C replaced by G.
Protein change: p.Ser270Cys; replaces serine 270 with cysteine.
Molecular consequence: missense variant.
Genome position (GRCh38, 1-based): chr22:42,214,497, G>C on the plus strand (C>G on the coding strand, the complement: TCF20 is on the minus strand). VCF-style: chr22-42214497-G-C. GRCh37 (hg19) VCF-style: chr22-42610503-G-C.
Other names: c.809C>G, p.Ser270Cys (NM_005650.4, NM_181492.3); short protein forms S270C.
Identifiers: ClinVar variation 1312370 (VCV001312370.2), dbSNP rs1921471774, ClinGen allele CA411792198.

ClinVar aggregate classification (germline): Uncertain significance (1 of 4 stars; one submission).

Allele frequency attached by ClinVar (database versions not stated): TOPMed below 0.00001.

Submission:

GeneDx
Classification: Uncertain significance. Last evaluated: 2019-09-27. Review status: criteria provided, single submitter. Criteria: GeneDx Variant Classification Process June 2021. Collection method: clinical testing. Allele origin: germline. Affected: yes.
Comment: Not observed in large population cohorts (Lek et al., 2016); In silico analysis, which includes protein predictors and evolutionary conservation, supports that this variant does not alter protein structure/function; Has not been previously published as pathogenic or benign to our knowledge